The following is an entry in ClinVar:

NM_004260.4(RECQL4):c.2453T>C (p.Leu818Pro)

Gene: RECQL4 (RecQ like helicase 4; minus strand). Cytogenetic location: 8q24.3.
Variant type: single nucleotide variant.
Coding change: c.2453T>C on transcript NM_004260.4 (MANE Select); coding-DNA position 2453, T replaced by C.
Protein change: p.Leu818Pro; replaces leucine 818 with proline.
Molecular consequence: missense variant. On other transcripts: non-coding transcript variant (3), intron variant (3).
Genome position (GRCh38, 1-based): chr8:144,513,228, A>G on the plus strand (T>C on the coding strand, the complement: RECQL4 is on the minus strand). VCF-style: chr8-144513228-A-G. GRCh37 (hg19) VCF-style: chr8-145738611-A-G.
Other names: c.2321T>C, p.Leu774Pro (NM_001413033.1); c.1382T>C, p.Leu461Pro (NM_001413034.1, NM_001413035.1, NM_001413040.1 and 5 more transcripts); c.2453T>C, p.Leu818Pro (NM_001413036.1, NM_001413019.1); c.1250T>C, p.Leu417Pro (NM_001413037.1); c.2423T>C, p.Leu808Pro (NM_001413039.1); c.1316T>C, p.Leu439Pro (NM_001413041.1, NM_001413027.1, NM_001413030.1 and 1 more transcripts); c.1352T>C, p.Leu451Pro (NM_001413042.1); c.986T>C, p.Leu329Pro (NM_001413043.1); and 7 more; short protein forms L775P, L451P, L461P, L701P, L786P, L808P, L818P, L395P.
Identifiers: ClinVar variation 2890196 (VCV002890196.3), dbSNP rs1387192172, ClinGen allele CA372677906.

ClinVar aggregate classification (germline): Uncertain significance (1 of 4 stars; one submission).

Conditions:
Baller-Gerold syndrome (BGS). Also called: CRANIOSYNOSTOSIS WITH RADIAL DEFECTS. Identifiers: Orphanet 1225, MedGen C0265308, MONDO:0009039, OMIM 218600.

Allele frequency attached by ClinVar (database versions not stated): gnomAD exomes below 0.00001.
gnomAD v4.1: 1 of 1,578,980 alleles (0.000063%); highest among the groups gnomAD compares: African/African-American, 0.0013%; no homozygotes.

Submission:

Labcorp Genetics (formerly Invitae), Labcorp
Classification: Uncertain significance for Baller-Gerold syndrome. Last evaluated: 2023-03-16. Review status: criteria provided, single submitter. Criteria: Invitae Variant Classification Sherloc (09022015). Collection method: clinical testing. Allele origin: germline.
Comment: In summary, the available evidence is currently insufficient to determine the role of this variant in disease. Therefore, it has been classified as a Variant of Uncertain Significance. Advanced modeling of protein sequence and biophysical properties (such as structural, functional, and spatial information, amino acid conservation, physicochemical variation, residue mobility, and thermodynamic stability) performed at Invitae indicates that this missense variant is expected to disrupt RECQL4 protein function. This variant has not been reported in the literature in individuals affected with RECQL4-related conditions. This variant is not present in population databases (gnomAD no frequency). This sequence change replaces leucine, which is neutral and non-polar, with proline, which is neutral and non-polar, at codon 818 of the RECQL4 protein (p.Leu818Pro).